The following is an entry in ClinVar:

NM_003119.4(SPG7):c.28G>A (p.Ala10Thr)

Genes: SPG7 (SPG7 matrix AAA peptidase subunit, paraplegin; plus strand), LOC130059818 (ATAC-STARR-seq lymphoblastoid silent region 7911; plus strand). Cytogenetic location: 16q24.3.
Variant type: single nucleotide variant.
Coding change: c.28G>A on transcript NM_003119.4 (MANE Select); coding-DNA position 28, G replaced by A.
Protein change: p.Ala10Thr; replaces alanine 10 with threonine.
Molecular consequence: missense variant.
Genome position (GRCh38, 1-based): chr16:89,508,445, G>A. VCF-style: chr16-89508445-G-A. GRCh37 (hg19) VCF-style: chr16-89574853-G-A.
Other names: c.28G>A, p.Ala10Thr (NM_001363850.1, NM_199367.3); short protein forms A10T.
Identifiers: ClinVar variation 1988355 (VCV001988355.4), dbSNP rs577872969, ClinGen allele CA286519175.
Genomic context (GRCh38, chr16:89,508,445, plus strand): 5'-CGCGGATCACGCAGGCGCGGCTTTCAGGCCAACATGGCCGTGCTGCTGCTGCTGCTCCGT[G>A]CCCTCCGCCGGGGTCCAGGCCCGGGTCCTCGGCCGCTGTGGGGCCCAGGCCCGGCCTGGA-3'
Protein context (NP_003110.1, residues 1-20): MAVLLLLLR[Ala10Thr]LRRGPGPGPR

ClinVar aggregate classification (germline): Uncertain significance (1 of 4 stars; one submission).

Conditions:
Hereditary spastic paraplegia 7 (SPG7). Also called: SPG7-related neurologic disorder; Autosomal recessive spastic paraplegia type 7; Spastic paraplegia 7; Hereditary spastic paraplegia Paraplegin type; SPASTIC PARAPLEGIA 7, AUTOSOMAL RECESSIVE, WITH OR WITHOUT CEREBELLAR ATAXIA. Identifiers: Orphanet 99013, MedGen C1846564, MONDO:0011803, OMIM 607259.

Allele frequency attached by ClinVar (database versions not stated): 1000 Genomes Project 30x 0.00016; 1000 Genomes Project 0.00020.
gnomAD v4.1: 5 of 1,502,348 alleles (0.00033%); highest among the groups gnomAD compares: South Asian, 0.0012%; no homozygotes.

Submission:

Labcorp Genetics (formerly Invitae), Labcorp
Classification: Uncertain significance for Hereditary spastic paraplegia 7. Last evaluated: 2024-02-24. Review status: criteria provided, single submitter. Criteria: Invitae Variant Classification Sherloc (09022015). Collection method: clinical testing. Allele origin: germline.
Comment: This sequence change replaces alanine, which is neutral and non-polar, with threonine, which is neutral and polar, at codon 10 of the SPG7 protein (p.Ala10Thr). The frequency data for this variant in the population databases is considered unreliable, as metrics indicate poor data quality at this position in the gnomAD database. This variant has not been reported in the literature in individuals affected with SPG7-related conditions. ClinVar contains an entry for this variant (Variation ID: 1988355). Advanced modeling of protein sequence and biophysical properties (such as structural, functional, and spatial information, amino acid conservation, physicochemical variation, residue mobility, and thermodynamic stability) performed at Invitae indicates that this missense variant is not expected to disrupt SPG7 protein function with a negative predictive value of 95%. In summary, the available evidence is currently insufficient to determine the role of this variant in disease. Therefore, it has been classified as a Variant of Uncertain Significance.